The following is an entry in ClinVar:

NM_006912.6(RIT1):c.551G>T (p.Arg184Met)

Gene: RIT1 (Ras like without CAAX 1; minus strand). Cytogenetic location: 1q22.
Variant type: single nucleotide variant.
Coding change: c.551G>T on transcript NM_006912.6 (MANE Select); coding-DNA position 551, G replaced by T.
Protein change: p.Arg184Met; replaces arginine 184 with methionine.
Molecular consequence: missense variant.
Genome position (GRCh38, 1-based): chr1:155,900,497, C>A on the plus strand (G>T on the coding strand, the complement: RIT1 is on the minus strand). VCF-style: chr1-155900497-C-A. GRCh37 (hg19) VCF-style: chr1-155870288-C-A.
Other names: c.551G>T, p.Arg184Met (LRG_1372t1); c.443G>T, p.Arg148Met (NM_001256820.2); c.602G>T, p.Arg201Met (NM_001256821.2); c.551G>T (NM_006912.4); short protein forms R184M, R201M, R148M.
Identifiers: ClinVar variation 561749 (VCV000561749.4), dbSNP rs1401658925, ClinGen allele CA342801164.
Genomic context (GRCh38, chr1:155,900,497, plus strand): 5'-CATACACTGTTTTTGGGCTTAGATTTTTTCTCCATGGCCAGTACTGCCTCCTTTTCTTTC[C>A]TACGTATCTCCCGTACAAGGGCATGGAAAACATCATCAATATAGTAGCGGTATGCAGCAG-3'
Protein context (NP_008843.1, residues 174-194): VFHALVREIR[Arg184Met]KEKEAVLAME

ClinVar aggregate classification (germline): Uncertain significance. Review status: criteria provided, multiple submitters, no conflicts (2 of 4 stars). 3 submissions from 3 submitters: Uncertain significance (3). Last evaluated 2026-04-12.

Conditions:
Cardiovascular phenotype. Identifiers: MedGen CN230736.
Noonan syndrome 8 (NS8). Identifiers: Orphanet 648, MedGen C3809233, MONDO:0014143, OMIM 615355.

Allele frequency attached by ClinVar (database versions not stated): gnomAD exomes below 0.00001.

Submissions (3):

Ambry Genetics
Classification: Uncertain significance for Cardiovascular phenotype. Last evaluated: 2026-04-12. Review status: criteria provided, single submitter. Criteria: Ambry Variant Classification Scheme 2023. Collection method: clinical testing. Allele origin: germline.
Comment: The p.R184M variant (also known as c.551G>T), located in coding exon 5 of the RIT1 gene, results from a G to T substitution at nucleotide position 551. The arginine at codon 184 is replaced by methionine, an amino acid with similar properties. This amino acid position is conserved. In addition, the in silico prediction for this alteration is inconclusive. Based on the available evidence, the clinical significance of this variant remains unclear.

Labcorp Genetics (formerly Invitae), Labcorp
Classification: Uncertain significance for Noonan syndrome 8. Last evaluated: 2025-01-27. Review status: criteria provided, single submitter. Criteria: Invitae Variant Classification Sherloc (09022015). Collection method: clinical testing. Allele origin: germline.
Comment: This sequence change replaces arginine, which is basic and polar, with methionine, which is neutral and non-polar, at codon 184 of the RIT1 protein (p.Arg184Met). This variant is present in population databases (no rsID available, gnomAD 0.007%). This variant has not been reported in the literature in individuals affected with RIT1-related conditions. ClinVar contains an entry for this variant (Variation ID: 561749). Invitae Evidence Modeling of protein sequence and biophysical properties (such as structural, functional, and spatial information, amino acid conservation, physicochemical variation, residue mobility, and thermodynamic stability) indicates that this missense variant is not expected to disrupt RIT1 protein function with a negative predictive value of 95%. In summary, the available evidence is currently insufficient to determine the role of this variant in disease. Therefore, it has been classified as a Variant of Uncertain Significance.

GeneDx
Classification: Uncertain significance. Last evaluated: 2018-03-05. Review status: criteria provided, single submitter. Criteria: GeneDx Variant Classification (06012015). Collection method: clinical testing. Allele origin: germline. Affected: yes.
Comment: The R184M variant of uncertain significance in the RIT1 gene has not been published as pathogenic or been reported as benign to our knowledge. This variant is not observed at a significant frequency in large population cohorts (Lek et al., 2016). The R184M variant is a non-conservative amino acid substitution, which is likely to impact secondary protein structure as these residues differ in polarity, charge, size and/or other properties. In-silico analyses, including protein predictors and evolutionary conservation, support a deleterious effect. However, this variant lacks observation in a significant number of affected individuals, segregation data, and functional evidence, which would further clarify its pathogenicity.